The following is an entry in ClinVar:

NM_058216.3(RAD51C):c.536_544dup (p.Gln181_Leu182insHisLeuGln)

Gene: RAD51C (RAD51 paralog C; plus strand). Cytogenetic location: 17q22.
Variant type: Duplication.
Coding change: c.536_544dup on transcript NM_058216.3 (MANE Select); coding-DNA positions 536 to 544, 9 bases duplicated (ACCTTCAGC; older notation c.536_544dupACCTTCAGC).
Protein change: p.Gln181_Leu182insHisLeuGln.
Molecular consequence: inframe insertion. On other transcripts: inframe indel (1).
Genome position (GRCh38, 1-based): chr17:58,696,824-58,696,832, ACCTTCAGC duplicated; duplicating any 9 consecutive bases within chr17:58,696,818-58,696,832 gives the same sequence; the c. name uses the placement nearest the transcript's 3' end. VCF-style (leftmost placement, unchanged base first): chr17-58696817-A-ATTCAGCACC. GRCh37 (hg19) VCF-style: chr17-56774178-A-ATTCAGCACC.
Other names: c.536_544dupACCTTCAGC (NM_058216.1).
Identifiers: ClinVar variation 3312384 (VCV003312384.1).

ClinVar aggregate classification (germline): Uncertain significance (1 of 4 stars; one submission).

Conditions:
Hereditary cancer-predisposing syndrome. Also called: Neoplastic Syndromes, Hereditary; Tumor predisposition; Hereditary neoplastic syndrome; Hereditary Cancer Syndrome. Identifiers: Orphanet 140162, MedGen C0027672, MeSH D009386, MONDO:0015356.

Submission:

Ambry Genetics
Classification: Uncertain significance for Hereditary cancer-predisposing syndrome. Last evaluated: 2024-04-25. Review status: criteria provided, single submitter. Criteria: Ambry Variant Classification Scheme 2023. Collection method: clinical testing. Allele origin: germline.
Comment: The c.536_544dupACCTTCAGC variant (also known as p.H179_Q181dup), located in coding exon 3 of the RAD51C gene, results from an in-frame duplication of ACCTTCAGC at nucleotide positions 536 to 544. This results in the duplication of 3 extra residues (HLQ) between codons 179 and 181. This amino acid region is well conserved in available vertebrate species. In addition, the in silico prediction for this alteration is inconclusive (Choi Y et al. PLoS ONE. 2012; 7(10):e46688). Based on the available evidence, the clinical significance of this variant remains unclear.